The following is an entry in ClinVar:

NC_000012.11:g.(?_120875930)_(120878340_?)dup

Gene: COX6A1 (cytochrome c oxidase subunit 6A1; plus strand). Cytogenetic location: 12q24.31.
Variant type: Duplication.
Identifiers: ClinVar variation 1400528 (VCV001400528.4).

ClinVar aggregate classification (germline): Uncertain significance (1 of 4 stars; one submission).

Submission:

Labcorp Genetics (formerly Invitae), Labcorp
Classification: Uncertain significance. Last evaluated: 2022-10-26. Review status: criteria provided, single submitter. Criteria: Invitae Variant Classification Sherloc (09022015). Collection method: clinical testing. Allele origin: germline.
Comment: A copy number gain of the genomic region encompassing the full coding sequence of the COX6A1 gene has been identified. The boundaries of this event are unknown as they extend beyond the assayed region for this gene and therefore may encompass additional genes. As the precise location of this event is unknown, it may be in tandem or it may be located elsewhere in the genome. This variant has not been reported in the literature in individuals affected with COX6A1-related conditions. Experimental studies and prediction algorithms are not available or were not evaluated, and the functional significance of this variant is currently unknown. In summary, the available evidence is currently insufficient to determine the role of this variant in disease. Therefore, it has been classified as a Variant of Uncertain Significance.